The following is an entry in ClinVar:

ClinVar aggregate classification (germline): Uncertain significance (1 of 4 stars; one submission).

gnomAD v4.1: 1 of 1,613,750 alleles (0.000062%); no homozygotes.

Submission:

Dasa
Classification: Uncertain significance. Last evaluated: 2025-04-03. Review status: criteria provided, single submitter. Criteria: DASA Assertion Criteria. Collection method: clinical testing. Allele origin: germline.
Comment: NM_012144.4(DNAI1):c.1490-6C>G is a splice-region variant. This variant is rare in population databases. Computational prediction algorithms are consistent with a benign effect. The currently available literature and clinical evidence are not sufficient to establish a definitive association between this variant and the reported condition. Therefore, this variant is classified as a variant of uncertain significance.

NM_012144.4(DNAI1):c.1490-6C>G

Gene: DNAI1 (dynein axonemal intermediate chain 1; plus strand). Cytogenetic location: 9p13.3.
Variant type: single nucleotide variant.
Coding change: c.1490-6C>G on transcript NM_012144.4 (MANE Select); 6 bases into the intron before coding-DNA position 1490, C replaced by G.
Molecular consequence: intron variant.
Genome position (GRCh38, 1-based): chr9:34,513,106, C>G. VCF-style: chr9-34513106-C-G. GRCh37 (hg19) VCF-style: chr9-34513104-C-G.
Other names: c.1502-6C>G (NM_001281428.2).
Identifiers: ClinVar variation 4885122 (VCV004885122.2).